The following is an entry in ClinVar:

NM_015295.3(SMCHD1):c.3085A>C (p.Lys1029Gln)

Gene: SMCHD1 (structural maintenance of chromosomes flexible hinge domain containing 1; plus strand). Cytogenetic location: 18p11.32.
Variant type: single nucleotide variant.
Coding change: c.3085A>C on transcript NM_015295.3 (MANE Select); coding-DNA position 3085, A replaced by C.
Protein change: p.Lys1029Gln; replaces lysine 1029 with glutamine.
Molecular consequence: missense variant.
Genome position (GRCh38, 1-based): chr18:2,732,301, A>C. VCF-style: chr18-2732301-A-C. GRCh37 (hg19) VCF-style: chr18-2732299-A-C.
Other names: short protein forms K1029Q.
Identifiers: ClinVar variation 1716168 (VCV001716168.5), dbSNP rs2510090672, ClinGen allele CA401685520.

ClinVar aggregate classification (germline): Uncertain significance (1 of 4 stars; one submission).

Conditions:
Facioscapulohumeral muscular dystrophy 2 (FSHD2). Also called: FACIOSCAPULOHUMERAL MUSCULAR DYSTROPHY 2, DIGENIC; MUSCULAR DYSTROPHY, FACIOSCAPULOHUMERAL, TYPE 1B; FSHD2, DIGENIC. Identifiers: Orphanet 269, MedGen C1834671, MONDO:0008031, OMIM 158901.

Submission:

Labcorp Genetics (formerly Invitae), Labcorp
Classification: Uncertain significance for Facioscapulohumeral muscular dystrophy 2. Last evaluated: 2022-08-13. Review status: criteria provided, single submitter. Criteria: Invitae Variant Classification Sherloc (09022015). Collection method: clinical testing. Allele origin: germline.
Comment: This variant is not present in population databases (gnomAD no frequency). This variant has not been reported in the literature in individuals affected with SMCHD1-related conditions. Algorithms developed to predict the effect of missense changes on protein structure and function are either unavailable or do not agree on the potential impact of this missense change (SIFT: "Deleterious"; PolyPhen-2: "Possibly Damaging"; Align-GVGD: "Class C0"). In summary, the available evidence is currently insufficient to determine the role of this variant in disease. Therefore, it has been classified as a Variant of Uncertain Significance. This sequence change replaces lysine, which is basic and polar, with glutamine, which is neutral and polar, at codon 1029 of the SMCHD1 protein (p.Lys1029Gln).